The following is an entry in ClinVar:

ClinVar aggregate classification (germline): Pathogenic/Likely pathogenic. Review status: criteria provided, multiple submitters, no conflicts (2 of 4 stars). 3 submissions from 3 submitters: Pathogenic (2); Likely pathogenic (1). Last evaluated 2024-11-05.

Conditions:
Dilated cardiomyopathy 1G (CMD1G). Identifiers: Orphanet 154, MedGen C1858763, MONDO:0011400, OMIM 604145.

gnomAD v4.1: 1 of 1,614,120 alleles (0.000062%); highest among the groups gnomAD compares: Non-Finnish European, 0.000085%; no homozygotes.

Submissions (3):

Dasa
Classification: Likely pathogenic. Last evaluated: 2024-11-05. Review status: criteria provided, single submitter. Criteria: DASA Assertion Criteria. Collection method: clinical testing. Allele origin: germline.
Comment: NM_001267550.2(TTN):c.669+1G>A affects a canonical splice site and is predicted to disrupt normal RNA splicing. Loss of function is an established disease mechanism for TTN-associated disorders. Also, this variant is rare in population databases. Based on the currently available evidence, this variant is classified as likely pathogenic.

Mayo Clinic Laboratories, Mayo Clinic
Classification: Pathogenic. Last evaluated: 2024-06-25. Review status: criteria provided, single submitter. Criteria: ACMG Guidelines, 2015. Collection method: clinical testing. Allele origin: germline. Observed: 1 variant allele.
Comment: PM2, PM3, PS4_moderate, PVS1

Mendelics
Classification: Pathogenic for Dilated cardiomyopathy 1G. Last evaluated: 2019-05-28. Review status: criteria provided, single submitter. Criteria: Mendelics Assertion Criteria 2017. Collection method: clinical testing. Allele origin: unknown.

NM_001267550.2(TTN):c.669+1G>A

Gene: TTN (titin; minus strand). Cytogenetic location: 2q31.2.
Variant type: single nucleotide variant.
Coding change: c.669+1G>A on transcript NM_001267550.2 (MANE Select); the canonical splice donor site of the intron after coding-DNA position 669, G replaced by A.
Molecular consequence: splice donor variant.
Genome position (GRCh38, 1-based): chr2:178,799,824, C>T on the plus strand (G>A on the coding strand, the complement: TTN is on the minus strand). VCF-style: chr2-178799824-C-T. GRCh37 (hg19) VCF-style: chr2-179664551-C-T.
Other names: c.669+1G>A (NM_003319.4, NM_133437.4, NM_133432.3 and 3 more transcripts).
Identifiers: ClinVar variation 801836 (VCV000801836.4), dbSNP rs1574982376, ClinGen allele CA349524646.